The following is an entry in ClinVar:

ClinVar aggregate classification (germline): Uncertain significance. Review status: criteria provided, multiple submitters, no conflicts (2 of 4 stars). 2 submissions from 2 submitters: Uncertain significance (2). Last evaluated 2024-01-19.

Conditions:
Hereditary cancer-predisposing syndrome. Also called: Hereditary Cancer Syndrome; Tumor predisposition; Hereditary neoplastic syndrome; Neoplastic Syndromes, Hereditary. Identifiers: Orphanet 140162, MedGen C0027672, MeSH D009386, MONDO:0015356.

Allele frequency attached by ClinVar (database versions not stated): gnomAD exomes below 0.00001 and 0.00001; TOPMed below 0.00001; ExAC 0.00001; gnomAD 0.00001.
gnomAD v4.1: 3 of 1,613,772 alleles (0.00019%); highest among the groups gnomAD compares: Admixed American, 0.005%; no homozygotes.

Submissions (2):

Labcorp Genetics (formerly Invitae), Labcorp
Classification: Uncertain significance. Last evaluated: 2024-01-19. Review status: criteria provided, single submitter. Criteria: Invitae Variant Classification Sherloc (09022015). Collection method: clinical testing. Allele origin: germline.
Comment: This sequence change creates a premature translational stop signal (p.Trp1122*) in the MSH3 gene. While this is not anticipated to result in nonsense mediated decay, it is expected to disrupt the last 16 amino acid(s) of the MSH3 protein. This variant is present in population databases (rs759757672, gnomAD 0.006%). This variant has not been reported in the literature in individuals affected with MSH3-related conditions. ClinVar contains an entry for this variant (Variation ID: 1416156). Experimental studies and prediction algorithms are not available or were not evaluated, and the functional significance of this variant is currently unknown. In summary, the available evidence is currently insufficient to determine the role of this variant in disease. Therefore, it has been classified as a Variant of Uncertain Significance.

Ambry Genetics
Classification: Uncertain significance for Hereditary cancer-predisposing syndrome. Last evaluated: 2020-12-03. Review status: criteria provided, single submitter. Criteria: Ambry Variant Classification Scheme 2023. Collection method: clinical testing. Allele origin: germline.
Comment: The p.W1122* variant (also known as c.3366G>A), located in coding exon 24 of the MSH3 gene, results from a G to A substitution at nucleotide position 3366. This changes the amino acid from a tryptophan to a stop codon within coding exon 24. This alteration occurs at the 3' terminus of theMSH3 gene, is not expected to trigger nonsense-mediated mRNAdecay, and only impacts the last 1.49% of the protein. The exact functional effect of this alteration is unknown. Since supporting evidence is limited at this time, the clinical significance of this alteration remains unclear.

NM_002439.5(MSH3):c.3366G>A (p.Trp1122Ter)

Gene: MSH3 (mutS homolog 3; plus strand). Cytogenetic location: 5q14.1.
Variant type: single nucleotide variant.
Coding change: c.3366G>A on transcript NM_002439.5 (MANE Select); coding-DNA position 3366, G replaced by A.
Protein change: p.Trp1122Ter; replaces tryptophan 1122 with a stop codon.
Molecular consequence: nonsense.
Genome position (GRCh38, 1-based): chr5:80,875,814, G>A. VCF-style: chr5-80875814-G-A. GRCh37 (hg19) VCF-style: chr5-80171633-G-A.
Other names: short protein forms W1122*.
Identifiers: ClinVar variation 1416156 (VCV001416156.6), dbSNP rs759757672, ClinGen allele CA3328529.